The following is an entry in ClinVar:

ClinVar aggregate classification (germline): Uncertain significance (1 of 4 stars; one submission).

Conditions:
Charcot-Marie-Tooth disease axonal type 2O. Also called: Charcot-Marie-Tooth disease, axonal, type 20; CHARCOT-MARIE-TOOTH NEUROPATHY, AXONAL, TYPE 2O; CHARCOT-MARIE-TOOTH DISEASE, AXONAL, AUTOSOMAL DOMINANT, TYPE 2O; Charcot-Marie-Tooth Neuropathy Type 2O. Identifiers: Orphanet 284232, MedGen C3280220, MONDO:0013644, OMIM 614228.

Submission:

Labcorp Genetics (formerly Invitae), Labcorp
Classification: Uncertain significance for Charcot-Marie-Tooth disease axonal type 2O. Last evaluated: 2024-02-17. Review status: criteria provided, single submitter. Criteria: Invitae Variant Classification Sherloc (09022015). Collection method: clinical testing. Allele origin: germline.
Comment: This sequence change replaces glutamine, which is neutral and polar, with histidine, which is basic and polar, at codon 3739 of the DYNC1H1 protein (p.Gln3739His). This variant is not present in population databases (gnomAD no frequency). This variant has not been reported in the literature in individuals affected with DYNC1H1-related conditions. Advanced modeling of protein sequence and biophysical properties (such as structural, functional, and spatial information, amino acid conservation, physicochemical variation, residue mobility, and thermodynamic stability) performed at Invitae indicates that this missense variant is not expected to disrupt DYNC1H1 protein function with a negative predictive value of 95%. In summary, the available evidence is currently insufficient to determine the role of this variant in disease. Therefore, it has been classified as a Variant of Uncertain Significance.

NM_001376.5(DYNC1H1):c.11217G>C (p.Gln3739His)

Gene: DYNC1H1 (dynein cytoplasmic 1 heavy chain 1; plus strand). Cytogenetic location: 14q32.31.
Variant type: single nucleotide variant.
Coding change: c.11217G>C on transcript NM_001376.5 (MANE Select); coding-DNA position 11217, G replaced by C.
Protein change: p.Gln3739His; replaces glutamine 3739 with histidine.
Molecular consequence: missense variant.
Genome position (GRCh38, 1-based): chr14:102,039,011, G>C. VCF-style: chr14-102039011-G-C. GRCh37 (hg19) VCF-style: chr14-102505348-G-C.
Other names: short protein forms Q3739H.
Identifiers: ClinVar variation 3636178 (VCV003636178.2).